The following is an entry in ClinVar:

ClinVar aggregate classification (germline): Uncertain significance. Review status: criteria provided, multiple submitters, no conflicts (2 of 4 stars). 2 submissions from 2 submitters: Uncertain significance (2). Last evaluated 2025-10-02.

Conditions:
Hereditary cancer-predisposing syndrome. Also called: Neoplastic Syndromes, Hereditary; Tumor predisposition; Hereditary Cancer Syndrome; Hereditary neoplastic syndrome. Identifiers: Orphanet 140162, MedGen C0027672, MeSH D009386, MONDO:0015356.
Renal cell carcinoma. Identifiers: Orphanet 217071, MedGen C0007134, MeSH D002292, MONDO:0005086, HP:0005584.

Submissions (2):

Labcorp Genetics (formerly Invitae), Labcorp
Classification: Uncertain significance for Renal cell carcinoma. Last evaluated: 2025-10-02. Review status: criteria provided, single submitter. Criteria: Invitae Variant Classification Sherloc (09022015). Collection method: clinical testing. Allele origin: germline.
Comment: This sequence change affects a donor splice site in intron 7 of the MET gene. It is expected to disrupt RNA splicing. Variants that disrupt the donor or acceptor splice site typically lead to a loss of protein function (PMID: 16199547), however the current clinical and genetic evidence is not sufficient to establish whether loss-of-function variants in MET cause disease. This variant is not present in population databases (gnomAD no frequency). This variant has not been reported in the literature in individuals affected with MET-related conditions. ClinVar contains an entry for this variant (Variation ID: 1783501). Algorithms developed to predict the effect of sequence changes on RNA splicing suggest that this variant may disrupt the consensus splice site. In summary, the available evidence is currently insufficient to determine the role of this variant in disease. Therefore, it has been classified as a Variant of Uncertain Significance.

Ambry Genetics
Classification: Uncertain significance for Hereditary cancer-predisposing syndrome. Last evaluated: 2025-09-24. Review status: criteria provided, single submitter. Criteria: Ambry Variant Classification Scheme 2023. Collection method: clinical testing. Allele origin: germline.
Comment: The c.1965+1G>A intronic variant results from a G to A substitution one nucleotide after coding exon 6 of the MET gene. This nucleotide position is highly conserved in available vertebrate species. In silico splice site analysis predicts that this alteration will weaken the native splice donor site. Alterations that disrupt the canonical splice site are expected to cause aberrant splicing, resulting in an abnormal protein or a transcript that is subject to nonsense-mediated mRNA decay. However, loss of function has not been established as a mechanism of disease. Based on the available evidence, the clinical significance of this alteration remains unclear.

Literature cited by the submitters: PubMed 16199547 (cited by Labcorp Genetics (formerly Invitae), Labcorp).

NM_000245.4(MET):c.1965+1G>A

Gene: MET (MET proto-oncogene, receptor tyrosine kinase; plus strand). Cytogenetic location: 7q31.2.
Variant type: single nucleotide variant.
Coding change: c.1965+1G>A on transcript NM_000245.4 (MANE Select); the canonical splice donor site of the intron after coding-DNA position 1965, G replaced by A.
Molecular consequence: splice donor variant.
Genome position (GRCh38, 1-based): chr7:116,757,540, G>A. VCF-style: chr7-116757540-G-A. GRCh37 (hg19) VCF-style: chr7-116397594-G-A.
Other names: c.1965+1G>A (NM_001127500.3, NM_001324401.3); c.675+1G>A (NM_001324402.2).
Identifiers: ClinVar variation 1783501 (VCV001783501.4), dbSNP rs2116921447, ClinGen allele CA368979550.